The following is an entry in ClinVar:

NM_001854.4(COL11A1):c.2098-4A>G

Gene: COL11A1 (collagen type XI alpha 1 chain; minus strand). Cytogenetic location: 1p21.1.
Variant type: single nucleotide variant.
Coding change: c.2098-4A>G on transcript NM_001854.4 (MANE Select); 4 bases into the intron before coding-DNA position 2098, A replaced by G.
Molecular consequence: intron variant.
Genome position (GRCh38, 1-based): chr1:103,001,973, T>C on the plus strand (A>G on the coding strand, the complement: COL11A1 is on the minus strand). VCF-style: chr1-103001973-T-C. GRCh37 (hg19) VCF-style: chr1-103467529-T-C.
Other names: c.1981-4A>G (NM_001190709.2); c.2134-4A>G (NM_080629.3); c.1750-4A>G (NM_080630.4).
Identifiers: ClinVar variation 1304159 (VCV001304159.2), dbSNP rs759906097, ClinGen allele CA1005163403.

ClinVar aggregate classification (germline): Uncertain significance (1 of 4 stars; one submission).

gnomAD v4.1: 2 of 1,611,530 alleles (0.00012%); highest among the groups gnomAD compares: African/African-American, 0.0027%; no homozygotes.

Submission:

GeneDx
Classification: Uncertain significance. Last evaluated: 2018-09-26. Review status: criteria provided, single submitter. Criteria: GeneDx Variant Classification Process June 2021. Collection method: clinical testing. Allele origin: germline. Affected: yes.
Comment: Not observed in large population cohorts (Lek et al., 2016); Creates a new potential splice acceptor site three nucleotides upstream of the native splice acceptor site; In silico splicing algorithms are inconsistent in their predictions as to whether this variant affects splicing and in the absence of functional mRNA studies, physiological consequence of this variant cannot be definitively determined; Has not been previously published as pathogenic or benign to our knowledge